The following is an entry in ClinVar:

NM_000748.3(CHRNB2):c.1126C>T (p.Leu376Phe)

Gene: CHRNB2 (cholinergic receptor nicotinic beta 2 subunit; plus strand). Cytogenetic location: 1q21.3.
Variant type: single nucleotide variant.
Coding change: c.1126C>T on transcript NM_000748.3 (MANE Select); coding-DNA position 1126, C replaced by T.
Protein change: p.Leu376Phe; replaces leucine 376 with phenylalanine.
Molecular consequence: missense variant.
Genome position (GRCh38, 1-based): chr1:154,571,949, C>T. VCF-style: chr1-154571949-C-T. GRCh37 (hg19) VCF-style: chr1-154544425-C-T.
Other names: short protein forms L376F.
Identifiers: ClinVar variation 969019 (VCV000969019.11), dbSNP rs1286192889, ClinGen allele CA342631532.

ClinVar aggregate classification (germline): Conflicting classifications of pathogenicity. Review status: criteria provided, conflicting classifications (1 of 4 stars). 2 submissions from 2 submitters: Uncertain significance (1); Likely benign (1). Last evaluated 2024-09-06.

Conditions:
Inborn genetic diseases. Identifiers: MedGen C0950123, MeSH D030342.
Familial sleep-related hypermotor epilepsy. Also called: Autosomal Dominant Sleep-Related Hypermotor (Hyperkinetic) Epilepsy. Identifiers: Orphanet 98784, MedGen C3696898, MONDO:0000030.

Allele frequency attached by ClinVar (database versions not stated): gnomAD exomes 0.00001.
gnomAD v4.1: 5 of 1,547,388 alleles (0.00032%); highest among the groups gnomAD compares: Non-Finnish European, 0.00043%; no homozygotes.

Submissions (2):

Ambry Genetics
Classification: Likely benign for Inborn genetic diseases. Last evaluated: 2024-09-06. Review status: criteria provided, single submitter. Criteria: Ambry Variant Classification Scheme 2023. Collection method: clinical testing. Allele origin: germline.

Labcorp Genetics (formerly Invitae), Labcorp
Classification: Uncertain significance. Last evaluated: 2022-07-05. Review status: criteria provided, single submitter. Criteria: Invitae Variant Classification Sherloc (09022015). Collection method: clinical testing. Allele origin: germline.
Comment: This sequence change replaces leucine, which is neutral and non-polar, with phenylalanine, which is neutral and non-polar, at codon 376 of the CHRNB2 protein (p.Leu376Phe). In summary, the available evidence is currently insufficient to determine the role of this variant in disease. Therefore, it has been classified as a Variant of Uncertain Significance. Advanced modeling of protein sequence and biophysical properties (such as structural, functional, and spatial information, amino acid conservation, physicochemical variation, residue mobility, and thermodynamic stability) performed at Invitae indicates that this missense variant is not expected to disrupt CHRNB2 protein function. ClinVar contains an entry for this variant (Variation ID: 969019). This variant has not been reported in the literature in individuals affected with CHRNB2-related conditions. The frequency data for this variant in the population databases is considered unreliable, as metrics indicate poor data quality at this position in the gnomAD database.